The following is an entry in ClinVar:

NM_005097.4(LGI1):c.288-242A>G

Gene: LGI1 (leucine rich glioma inactivated 1; plus strand). Cytogenetic location: 10q23.33.
Variant type: single nucleotide variant.
Coding change: c.288-242A>G on transcript NM_005097.4 (MANE Select); 242 bases into the intron before coding-DNA position 288, A replaced by G.
Molecular consequence: intron variant.
Genome position (GRCh38, 1-based): chr10:93,777,137, A>G. VCF-style: chr10-93777137-A-G. GRCh37 (hg19) VCF-style: chr10-95536894-A-G.
Other names: c.288-242A>G (NM_001308275.2); c.288-12962A>G (NM_001308276.2).
Identifiers: ClinVar variation 683060 (VCV000683060.2), dbSNP rs11813787, ClinGen allele CA13249345.

ClinVar aggregate classification (germline): Benign. Review status: criteria provided, multiple submitters, no conflicts (2 of 4 stars). 2 submissions from 2 submitters: Benign (2). Last evaluated 2018-06-19.

Allele frequency attached by ClinVar (database versions not stated): gnomAD 0.09468 and 0.10356; TOPMed 0.10931; gnomAD exomes 0.12876; 1000 Genomes Project 30x 0.18520; 1000 Genomes Project 0.19349.
gnomAD v4.1: 72,369 of 592,904 alleles (12%); highest among the groups gnomAD compares: East Asian, 49%; 7,457 homozygotes.

Submissions (2):

GeneDx
Classification: Benign. Last evaluated: 2018-06-19. Review status: criteria provided, single submitter. Criteria: GeneDx Variant Classification (06012015). Collection method: clinical testing. Allele origin: germline. Affected: yes.
Comment: This variant is considered likely benign or benign based on one or more of the following criteria: it is a conservative change, it occurs at a poorly conserved position in the protein, it is predicted to be benign by multiple in silico algorithms, and/or has population frequency not consistent with disease.

Breakthrough Genomics
Classification: Benign. Review status: criteria provided, single submitter. Criteria: ACMG Guidelines, 2015. Collection method: not provided. Allele origin: germline. Inheritance: Autosomal dominant inheritance. Affected: yes.